The following is an entry in ClinVar:

ClinVar aggregate classification (germline): Pathogenic (1 of 4 stars; one submission).

Conditions:
Familial adenomatous polyposis 1 (FAP1). Also called: FAMILIAL ADENOMATOUS POLYPOSIS 1, ATTENUATED; POLYPOSIS, ADENOMATOUS INTESTINAL. Identifiers: MedGen C2713442, MONDO:0021056, OMIM 175100. Disease mechanism: loss of function.

Submission:

Myriad Genetics, Inc.
Classification: Pathogenic for Familial adenomatous polyposis 1. Last evaluated: 2023-05-10. Review status: criteria provided, single submitter. Criteria: Myriad Autosomal Dominant, Autosomal Recessive and X-Linked Classification Criteria (2023). Collection method: clinical testing. Allele origin: unknown.
Comment: This variant is considered pathogenic. This variant creates a frameshift predicted to result in premature protein truncation.

NM_000038.6(APC):c.4092_4347del (p.Gly1365fs)

Gene: APC (APC regulator of Wnt signaling pathway; plus strand). Cytogenetic location: 5q22.2.
Variant type: Deletion.
Coding change: c.4092_4347del on transcript NM_000038.6 (MANE Select); coding-DNA positions 4092 to 4347, 256 bases deleted.
Protein change: p.Gly1365fs; shifts the reading frame from glycine 1365.
Molecular consequence: frameshift variant. On other transcripts: non-coding transcript variant (2).
Genome position (GRCh38, 1-based): chr5:112,839,686-112,839,941, 256 bases deleted. GRCh37 (hg19): chr5:112,175,383-112,175,638.
Other names: c.4092_4347del, p.Gly1365fs (NM_001127510.3, NM_001354895.2, NM_001407450.1); c.4038_4293del, p.Gly1347fs (NM_001127511.3); c.4146_4401del, p.Gly1383fs (NM_001354896.2, NM_001407447.1, NM_001407448.1 and 1 more transcripts); c.4122_4377del, p.Gly1375fs (NM_001354897.2); c.4017_4272del, p.Gly1340fs (NM_001354898.2); c.4008_4263del, p.Gly1337fs (NM_001354899.2); c.3969_4224del, p.Gly1324fs (NM_001354900.2); c.3915_4170del, p.Gly1306fs (NM_001354901.2, NM_001407453.1); and 11 more; short protein forms G1082fs, G1205fs, G1236fs, G1239fs, G1264fs, G1274fs, G1282fs, G1306fs.
Identifiers: ClinVar variation 2584046 (VCV002584046.1), dbSNP rs2533547507, ClinGen allele CA2582341551.